The following is an entry in ClinVar:

ClinVar aggregate classification (germline): Uncertain significance (1 of 4 stars; one submission).

Submission:

GeneDx
Classification: Uncertain significance. Last evaluated: 2025-02-19. Review status: criteria provided, single submitter. Criteria: GeneDx Variant Classification Process June 2021. Collection method: clinical testing. Allele origin: germline. Affected: yes.
Comment: Not observed at significant frequency in large population cohorts (gnomAD); Frameshift variant predicted to result in abnormal protein length as the last 300 amino acids are replaced with 7 different amino acids; Has not been previously published as pathogenic or benign to our knowledge

NM_032108.4(SEMA6B):c.1766_1768delinsCT (p.Asp589fs)

Gene: SEMA6B (semaphorin 6B; minus strand). Cytogenetic location: 19p13.3.
Variant type: Indel.
Coding change: c.1766_1768delinsCT on transcript NM_032108.4 (MANE Select); coding-DNA positions 1766 to 1768, ACC replaced by CT.
Protein change: p.Asp589fs; shifts the reading frame from aspartic acid 589.
Molecular consequence: frameshift variant.
Genome position (GRCh38, 1-based): chr19:4,544,500-4,544,502, GGT replaced by AG on the plus strand (ACC replaced by CT on the coding strand, the reverse complement: SEMA6B is on the minus strand). VCF-style: chr19-4544500-GGT-AG. GRCh37 (hg19) VCF-style: chr19-4544512-GGT-AG.
Other names: short protein forms D589fs.
Identifiers: ClinVar variation 4076814 (VCV004076814.1).